The following is an entry in ClinVar:

NM_004612.4(TGFBR1):c.655G>A (p.Val219Ile)

Gene: TGFBR1 (transforming growth factor beta receptor 1; plus strand). Cytogenetic location: 9q22.33.
Variant type: single nucleotide variant.
Coding change: c.655G>A on transcript NM_004612.4 (MANE Select); coding-DNA position 655, G replaced by A.
Protein change: p.Val219Ile; replaces valine 219 with isoleucine.
Molecular consequence: missense variant.
Genome position (GRCh38, 1-based): chr9:99,137,939, G>A. VCF-style: chr9-99137939-G-A. GRCh37 (hg19) VCF-style: chr9-101900221-G-A.
Other names: c.424G>A, p.Val142Ile (NM_001130916.3); c.667G>A, p.Val223Ile (NM_001306210.2, NM_001407416.1); c.655G>A, p.Val219Ile (NM_001407417.1); c.460G>A, p.Val154Ile (NM_001407418.1, NM_001407419.1, NM_001407420.1 and 1 more transcripts); c.448G>A, p.Val150Ile (NM_001407423.1, NM_001407424.1, NM_001407425.1 and 8 more transcripts); c.409G>A, p.Val137Ile (NM_001407436.1); c.178G>A, p.Val60Ile (NM_001407438.1); short protein forms V137I, V142I, V150I, V154I, V219I, V223I, V60I.
Identifiers: ClinVar variation 2429650 (VCV002429650.1), dbSNP rs863223810, ClinGen allele CA374229577.
Genomic context (GRCh38, chr9:99,137,939, plus strand): 5'-AGAACAATTGCGAGAACTATTGTGTTACAAGAAAGCATTGGCAAAGGTCGATTTGGAGAA[G>A]TTTGGAGAGGAAAGTGGCGGGGAGAAGAAGTTGCTGTTAAGATATTCTCCTCTAGAGAAG-3'
Protein context (NP_004603.1, residues 209-229): ESIGKGRFGE[Val219Ile]WRGKWRGEEV

ClinVar aggregate classification (germline): Uncertain significance (1 of 4 stars; one submission).

Submission:

GeneDx
Classification: Uncertain significance. Last evaluated: 2022-08-10. Review status: criteria provided, single submitter. Criteria: GeneDx Variant Classification Process June 2021. Collection method: clinical testing. Allele origin: germline. Affected: yes.
Comment: Not observed at significant frequency in large population cohorts (gnomAD); In silico analysis supports that this missense variant does not alter protein structure/function; Has not been previously published as pathogenic or benign to our knowledge